The following is an entry in ClinVar:

NM_001369.3(DNAH5):c.7230G>C (p.Glu2410Asp)

Gene: DNAH5 (dynein axonemal heavy chain 5; minus strand). Cytogenetic location: 5p15.2.
Variant type: single nucleotide variant.
Coding change: c.7230G>C on transcript NM_001369.3 (MANE Select); coding-DNA position 7230, G replaced by C.
Protein change: p.Glu2410Asp; replaces glutamic acid 2410 with aspartic acid.
Molecular consequence: missense variant.
Genome position (GRCh38, 1-based): chr5:13,814,605, C>G on the plus strand (G>C on the coding strand, the complement: DNAH5 is on the minus strand). VCF-style: chr5-13814605-C-G. GRCh37 (hg19) VCF-style: chr5-13814714-C-G.
Other names: short protein forms E2410D.
Identifiers: ClinVar variation 2087039 (VCV002087039.4), dbSNP rs2546824761, ClinGen allele CA359190052.
Genomic context (GRCh38, chr5:13,814,605, plus strand): 5'-AAAGAATGCTAAAGGATCTGTTTTCCTTTTTAATTATACAAAAGAAGGATTCAATTATAC[C>G]TCAAGAATAGGACTCCAATCAAGGATAGAAGAGCTCATGAAAACCATTCCATTTCTTGAG-3'
Protein context (NP_001360.1, residues 2400-2420): SSILDWSPIL[Glu2410Asp]GFLKKRSPQE

ClinVar aggregate classification (germline): Uncertain significance (1 of 4 stars; one submission).

Conditions:
Primary ciliary dyskinesia. Also called: Ciliary dyskinesia. Identifiers: Orphanet 244, MedGen C0008780, MONDO:0016575, HP:0012265.

Submission:

Labcorp Genetics (formerly Invitae), Labcorp
Classification: Uncertain significance for Primary ciliary dyskinesia. Last evaluated: 2022-01-17. Review status: criteria provided, single submitter. Criteria: Invitae Variant Classification Sherloc (09022015). Collection method: clinical testing. Allele origin: germline.
Comment: In summary, the available evidence is currently insufficient to determine the role of this variant in disease. Therefore, it has been classified as a Variant of Uncertain Significance. Variants that disrupt the consensus splice site are a relatively common cause of aberrant splicing (PMID: 17576681, 9536098). Algorithms developed to predict the effect of sequence changes on RNA splicing suggest that this variant may disrupt the consensus splice site. Algorithms developed to predict the effect of missense changes on protein structure and function (SIFT, PolyPhen-2, Align-GVGD) all suggest that this variant is likely to be tolerated. This missense change has been observed in individual(s) with primary ciliary dyskinesia (Invitae). This variant is not present in population databases (gnomAD no frequency). This sequence change replaces glutamic acid, which is acidic and polar, with aspartic acid, which is acidic and polar, at codon 2410 of the DNAH5 protein (p.Glu2410Asp). This variant also falls at the last nucleotide of exon 43, which is part of the consensus splice site for this exon.

Literature cited by the submitters: PubMed 17576681; PubMed 9536098.